The following is an entry in ClinVar:

NM_001270974.2(HYDIN):c.12444-1G>A

Gene: HYDIN (HYDIN axonemal central pair apparatus protein; minus strand). Cytogenetic location: 16q22.2.
Variant type: single nucleotide variant.
Coding change: c.12444-1G>A on transcript NM_001270974.2 (MANE Select); the canonical splice acceptor site of the intron before coding-DNA position 12444, G replaced by A.
Molecular consequence: splice acceptor variant.
Genome position (GRCh38, 1-based): chr16:70,850,656, C>T on the plus strand (G>A on the coding strand, the complement: HYDIN is on the minus strand). VCF-style: chr16-70850656-C-T. GRCh37 (hg19) VCF-style: chr16-70884559-C-T.
Identifiers: ClinVar variation 2442393 (VCV002442393.4), dbSNP rs1396390185, ClinGen allele CA396601109.

ClinVar aggregate classification (germline): Likely pathogenic. Review status: criteria provided, multiple submitters, no conflicts (2 of 4 stars). 3 submissions from 3 submitters: Likely pathogenic (3). Last evaluated 2024-03-06.

Conditions:
Primary ciliary dyskinesia 5. Also called: CILIARY DYSKINESIA, PRIMARY, 5, WITHOUT SITUS INVERSUS. Identifiers: Orphanet 244, MedGen C1837615, MONDO:0012088, OMIM 608647.
HYDIN-related disorders.

Allele frequency attached by ClinVar (database versions not stated): TOPMed below 0.00001; gnomAD exomes 0.00001.
gnomAD v4.1: 8 of 1,613,378 alleles (0.0005%); highest among the groups gnomAD compares: South Asian, 0.0077%; no homozygotes.

Submissions (3):

Royal Brompton Clinical Genetics And Genomics Laboratory, NHS South East Genomic Laboratory Hub
Classification: Likely pathogenic for Primary ciliary dyskinesia 5. Last evaluated: 2024-03-06. Review status: criteria provided, single submitter. Criteria: RBHT-CGGL ClinVar Assertion Criteria. Collection method: clinical testing. Allele origin: germline. Affected: yes. Observed: 1 variant allele.

Department of Paediatric Medicine, Post Graduation Institute of Medical Education and Research
Classification: Likely pathogenic for Primary ciliary dyskinesia 5. Last evaluated: 2023-03-07. Review status: criteria provided, single submitter. Criteria: ACMG Guidelines, 2015. Collection method: clinical testing. Allele origin: inherited. Inheritance: Autosomal recessive inheritance. Affected: no. Observed: 1 variant allele, 1 heterozygote.
Comment: PVS1, PM2

Blueprint Genetics
Classification: Likely pathogenic for HYDIN-related disorders. Last evaluated: 2021-02-26. Review status: criteria provided, single submitter. Criteria: ACMG Guidelines, 2015. Collection method: clinical testing. Allele origin: germline. Affected: yes. Observed: 1 variant allele.